The following is an entry in ClinVar:

ClinVar aggregate classification (germline): Uncertain significance (1 of 4 stars; one submission).

Conditions:
Hereditary cancer-predisposing syndrome. Also called: Neoplastic Syndromes, Hereditary; Tumor predisposition; Hereditary neoplastic syndrome; Hereditary Cancer Syndrome. Identifiers: Orphanet 140162, MedGen C0027672, MeSH D009386, MONDO:0015356.

gnomAD v4.1: 1 of 1,614,212 alleles (0.000062%); highest among the groups gnomAD compares: South Asian, 0.0011%; no homozygotes.

Submission:

Ambry Genetics
Classification: Uncertain significance for Hereditary cancer-predisposing syndrome. Last evaluated: 2026-07-06. Review status: criteria provided, single submitter. Criteria: Ambry Variant Classification Scheme 2023. Collection method: clinical testing. Allele origin: germline.
Comment: The p.E457A variant (also known as c.1370A>C), located in coding exon 4 of the PALB2 gene, results from an A to C substitution at nucleotide position 1370. The glutamic acid at codon 457 is replaced by alanine, an amino acid with dissimilar properties. This amino acid position is conserved. In addition, this alteration is predicted to be tolerated by in silico analysis. Based on the available evidence, the clinical significance of this variant remains unclear.

NM_024675.4(PALB2):c.1370A>C (p.Glu457Ala)

Gene: PALB2 (partner and localizer of BRCA2; minus strand). Cytogenetic location: 16p12.2.
Variant type: single nucleotide variant.
Coding change: c.1370A>C on transcript NM_024675.4 (MANE Select); coding-DNA position 1370, A replaced by C.
Protein change: p.Glu457Ala; replaces glutamic acid 457 with alanine.
Molecular consequence: missense variant. On other transcripts: intron variant (3).
Genome position (GRCh38, 1-based): chr16:23,635,176, T>G on the plus strand (A>C on the coding strand, the complement: PALB2 is on the minus strand). VCF-style: chr16-23635176-T-G. GRCh37 (hg19) VCF-style: chr16-23646497-T-G.
Other names: c.1310A>C, p.Glu437Ala (NM_001407296.1); c.1370A>C, p.Glu457Ala (NM_001407297.1, NM_001407298.1, NM_001407299.1 and 3 more transcripts); c.485A>C, p.Glu162Ala (NM_001407304.1, NM_001407305.1, NM_001407306.1 and 5 more transcripts); c.49-5901A>C (NM_001407314.1); c.-104-4707A>C (NM_001407313.1, NM_001407312.1); short protein forms E437A, E457A, E162A.
Identifiers: ClinVar variation 5026156 (VCV005026156.1).